The following is an entry in ClinVar:

NM_006502.3(POLH):c.2119T>G (p.Phe707Val)

Gene: POLH (DNA polymerase eta; plus strand). Cytogenetic location: 6p21.1.
Variant type: single nucleotide variant.
Coding change: c.2119T>G on transcript NM_006502.3 (MANE Select); coding-DNA position 2119, T replaced by G.
Protein change: p.Phe707Val; replaces phenylalanine 707 with valine.
Molecular consequence: missense variant. On other transcripts: 3 prime UTR variant (1).
Genome position (GRCh38, 1-based): chr6:43,614,534, T>G. VCF-style: chr6-43614534-T-G. GRCh37 (hg19) VCF-style: chr6-43582271-T-G.
Other names: c.1747T>G, p.Phe583Val (NM_001291969.2); c.*803T>G (NM_001291970.2); short protein forms F583V, F707V.
Identifiers: ClinVar variation 1692930 (VCV001692930.1), dbSNP rs2127822760, ClinGen allele CA364268982.
Genomic context (GRCh38, chr6:43,614,534, plus strand): 5'-AGCCCTTTGGCCTGCACTAATAAACGCCCCAGGCCTGAGGGCATGCAAACATTGGAATCA[T>G]TTTTTAAGCCATTAACACATTAGTGCTGCCCTCAGGCTTGCCTGTAGGATTTAATATTTT-3'
Protein context (NP_006493.1, residues 697-713): RPEGMQTLES[Phe707Val]FKPLTH

ClinVar aggregate classification (germline): Uncertain significance (1 of 4 stars; one submission).

Conditions:
Xeroderma pigmentosum (XP). Identifiers: Orphanet 910, MedGen C0043346, MONDO:0019600.

Allele frequency attached by ClinVar (database versions not stated): gnomAD exomes below 0.00001.
gnomAD v4.1: 6 of 1,613,770 alleles (0.00037%); highest among the groups gnomAD compares: Non-Finnish European, 0.00051%; no homozygotes.

Submission:

Sema4
Classification: Uncertain significance for Xeroderma pigmentosum. Last evaluated: 2022-02-16. Review status: criteria provided, single submitter. Criteria: Sema4 Curation Guidelines. Collection method: curation. Allele origin: germline.
Comment: The POLH c.2119T>G (p.F707V) variant has not been reported in the literature to our knowledge. It was not observed in the large and broad cohorts of the Genome Aggregation Database (PMID: 32461654). The variant has not been reported in ClinVar. In silico tools suggest the impact of the variant on protein function is deleterious, though these predictions have not been confirmed by functional studies. The evidence is insufficient to meet ACMG/AMP criteria for classifying the variant as benign or pathogenic. Thus, the clinical significance of this variant is currently uncertain.